The following is an entry in ClinVar:

ClinVar aggregate classification (germline): Benign/Likely benign. Review status: criteria provided, multiple submitters, no conflicts (2 of 4 stars). 13 submissions from 13 submitters: Benign (6); Likely benign (4). 3 of the submissions do not count toward it. Last evaluated 2026-06-01.

Conditions:
Rienhoff syndrome. Also called: LOEYS-DIETZ SYNDROME 5. Identifiers: MedGen C3810012, MONDO:0014262, OMIM 615582.
Familial thoracic aortic aneurysm and aortic dissection (TAAD). Also called: Thoracic aortic aneurysms and dissections. Identifiers: Orphanet 91387, MedGen C4707243, MONDO:0019625.

Allele frequency attached by ClinVar (database versions not stated): 1000 Genomes Project 0.00060; 1000 Genomes Project 30x 0.00078; gnomAD 0.00121 and 0.00123; TOPMed 0.00121; gnomAD exomes 0.00135 and 0.00210; ExAC 0.00138; ESP Exome Variant Server 0.00161.
gnomAD v4.1: 3,249 of 1,613,312 alleles (0.2%); highest among the groups gnomAD compares: Non-Finnish European, 0.24%; 3 homozygotes.

Submissions (13):

CeGaT Center for Human Genetics Tuebingen
Classification: Likely benign. Last evaluated: 2026-06-01. Review status: criteria provided, single submitter. Criteria: CeGaT Center For Human Genetics Tuebingen Variant Classification Criteria Version 2. Collection method: clinical testing. Allele origin: germline. Affected: yes. Observed: 11 variant alleles.
Comment: TGFB3: BP4, BS1

Molecular Diagnostic Laboratory for Inherited Cardiovascular Disease, Montreal Heart Institute
Classification: Benign. Last evaluated: 2026-03-27. Review status: criteria provided, single submitter. Criteria: ACMG Guidelines, 2015. Collection method: clinical testing. Allele origin: germline. Affected: no.

Labcorp Genetics (formerly Invitae), Labcorp
Classification: Benign for Rienhoff syndrome. Last evaluated: 2026-02-03. Review status: criteria provided, single submitter. Criteria: Invitae Variant Classification Sherloc (09022015). Collection method: clinical testing. Allele origin: germline.

ARUP Laboratories, Molecular Genetics and Genomics, ARUP Laboratories
Classification: Benign. Last evaluated: 2025-05-26. Review status: criteria provided, single submitter. Criteria: ARUP Molecular Germline Variant Investigation Process 2024. Collection method: clinical testing. Allele origin: germline.

Blueprint Genetics
Classification: Likely benign. Last evaluated: 2024-10-22. Review status: criteria provided, single submitter. Criteria: ACMG Guidelines, 2015. Collection method: clinical testing. Allele origin: germline.

Mayo Clinic Laboratories, Mayo Clinic
Classification: Benign. Last evaluated: 2024-07-05. Review status: criteria provided, single submitter. Criteria: ACMG Guidelines, 2015. Collection method: clinical testing. Allele origin: germline. Observed: 6 variant alleles.
Comment: BS1, BS2

CHEO Genetics Diagnostic Laboratory, Children's Hospital of Eastern Ontario
Classification: Benign for Familial thoracic aortic aneurysm and aortic dissection. Last evaluated: 2021-06-07. Review status: criteria provided, single submitter. Criteria: ACMG Guidelines, 2015. Collection method: clinical testing. Allele origin: germline.

GeneDx
Classification: Likely benign. Last evaluated: 2021-03-30. Review status: criteria provided, single submitter. Criteria: GeneDx Variant Classification Process June 2021. Collection method: clinical testing. Allele origin: germline. Affected: yes.

Women's Health and Genetics/Laboratory Corporation of America, LabCorp
Classification: Benign. Last evaluated: 2019-09-20. Review status: criteria provided, single submitter. Criteria: LabCorp Variant Classification Summary - May 2015. Collection method: clinical testing. Allele origin: germline.

Ambry Genetics
Classification: Likely benign for Familial thoracic aortic aneurysm and aortic dissection. Last evaluated: 2015-06-12. Review status: criteria provided, single submitter. Criteria: Ambry Variant Classification Scheme 2023. Collection method: clinical testing. Allele origin: germline.

Clinical Genetics DNA and cytogenetics Diagnostics Lab, Erasmus MC, Erasmus Medical Center
Classification: Likely benign. Review status: no assertion criteria provided. Collection method: clinical testing. Allele origin: germline. Affected: yes. Study: VKGL Data-share Consensus. Not counted in ClinVar's aggregate classification.

Genome Diagnostics Laboratory, Amsterdam University Medical Center
Classification: Likely benign. Review status: no assertion criteria provided. Collection method: clinical testing. Allele origin: germline. Affected: yes. Study: VKGL Data-share Consensus. Not counted in ClinVar's aggregate classification.

Genome Diagnostics Laboratory, University Medical Center Utrecht
Classification: Benign. Review status: no assertion criteria provided. Collection method: clinical testing. Allele origin: germline. Affected: yes. Study: VKGL Data-share Consensus. Not counted in ClinVar's aggregate classification.

NM_003239.5(TGFB3):c.744C>A (p.Ile248=)

Gene: TGFB3 (transforming growth factor beta 3; minus strand). Cytogenetic location: 14q24.3.
Variant type: single nucleotide variant.
Coding change: c.744C>A on transcript NM_003239.5 (MANE Select); coding-DNA position 744, C replaced by A.
Protein change: p.Ile248=; no amino-acid change (isoleucine 248 retained).
Molecular consequence: synonymous variant.
Genome position (GRCh38, 1-based): chr14:75,965,598, G>T on the plus strand (C>A on the coding strand, the complement: TGFB3 is on the minus strand). VCF-style: chr14-75965598-G-T. GRCh37 (hg19) VCF-style: chr14-76431941-G-T.
Other names: p.Ile248=; c.744C>A, p.Ile248= (NM_001329938.2, NM_001329939.2); c.744C>A (NM_003239.4).
Identifiers: ClinVar variation 239522 (VCV000239522.60), dbSNP rs145726361, ClinGen allele CA7280369.